The following is an entry in ClinVar:

NM_000051.4(ATM):c.2554C>T (p.Gln852Ter)

Gene: ATM (ATM serine/threonine kinase; plus strand). Cytogenetic location: 11q22.3.
Variant type: single nucleotide variant.
Coding change: c.2554C>T on transcript NM_000051.4 (MANE Select); coding-DNA position 2554, C replaced by T.
Protein change: p.Gln852Ter; replaces glutamine 852 with a stop codon.
Molecular consequence: nonsense.
Genome position (GRCh38, 1-based): chr11:108,267,258, C>T. VCF-style: chr11-108267258-C-T. GRCh37 (hg19) VCF-style: chr11-108137985-C-T.
Other names: c.2554C>T, p.Gln852Ter (NM_001351834.2); short protein forms Q852*.
Identifiers: ClinVar variation 407450 (VCV000407450.54), dbSNP rs758081262, ClinGen allele CA6265059.

ClinVar aggregate classification (germline): Pathogenic. Review status: criteria provided, multiple submitters, no conflicts (2 of 4 stars). 16 submissions from 16 submitters: Pathogenic (13). 3 of the submissions do not count toward it. Last evaluated 2026-09-01.

Conditions:
Familial cancer of breast. Also called: Hereditary breast cancer; BREAST CANCER, FAMILIAL; hereditary breast carcinoma. Identifiers: Orphanet 227535, MedGen C0346153, MONDO:0016419, OMIM 114480. Disease mechanism: loss of function.
Ataxia-telangiectasia syndrome (AT). Also called: Ataxia-telangiectasia, complementation group D; AT, COMPLEMENTATION GROUP C; ATAXIA-TELANGIECTASIA, COMPLEMENTATION GROUP A; ATAXIA-TELANGIECTASIA, FRESNO VARIANT; Ataxia-telangiectasia; Ataxia-telangiectasia, complementation group E. Identifiers: Orphanet 100, MedGen C0004135, MONDO:0008840, OMIM 208900.
Gastric cancer. Also called: Stomach cancer; Malignant tumor of stomach. Identifiers: MedGen C0024623, MeSH D013274, MONDO:0001056, OMIM 613659, HP:0012126.
Hereditary cancer-predisposing syndrome. Also called: Hereditary neoplastic syndrome; Neoplastic Syndromes, Hereditary; Hereditary Cancer Syndrome; Tumor predisposition. Identifiers: Orphanet 140162, MedGen C0027672, MeSH D009386, MONDO:0015356.
ATM-related disorder. Also called: ATM-related disorders; ATM-related condition.

Allele frequency attached by ClinVar (database versions not stated): gnomAD exomes 0.00001 and 0.00002; ExAC 0.00002; gnomAD 0.00003.
gnomAD v4.1: 10 of 1,613,900 alleles (0.00062%); highest among the groups gnomAD compares: Non-Finnish European, 0.00059%; no homozygotes.

Submissions (16):

CeGaT Center for Human Genetics Tuebingen
Classification: Pathogenic. Last evaluated: 2026-09-01. Review status: criteria provided, single submitter. Criteria: CeGaT Center For Human Genetics Tuebingen Variant Classification Criteria Version 2. Collection method: clinical testing. Allele origin: germline. Affected: yes. Observed: 1 variant allele.
Comment: ATM: PVS1, PS4, PM2

Women's Health and Genetics/Laboratory Corporation of America, LabCorp
Classification: Pathogenic for Ataxia-telangiectasia syndrome. Last evaluated: 2026-01-09. Review status: criteria provided, single submitter. Criteria: LabCorp Variant Classification Summary - May 2015. Collection method: clinical testing. Allele origin: germline.
Comment: Variant summary: ATM c.2554C>T (p.Gln852X) results in a premature termination codon, predicted to cause a truncation of the encoded protein or absence of the protein due to nonsense mediated decay, which are commonly known mechanisms for disease. The variant allele was found at a frequency of 1.2e-05 in 251402 control chromosomes. c.2554C>T has been observed as a biallelic genotype in individual(s) affected with Ataxia-telangiectasia syndrome and in heterozygous individuals with breast and/or ovarian cancer (e.g. Driessen_2013, Ofverholm_2023). These data indicate that the variant is very likely to be associated with disease. The following publications have been ascertained in the context of this evaluation (PMID: 23566627, 37563628). ClinVar contains an entry for this variant (Variation ID: 407450). Based on the evidence outlined above, the variant was classified as pathogenic for Ataxia-telangiectasia syndrome and ATM-related cancers.

Center for Genomic Medicine, Rigshospitalet, Copenhagen University Hospital
Classification: Pathogenic. Last evaluated: 2025-12-29. Review status: criteria provided, single submitter. Criteria: ACMG Guidelines, 2015. Collection method: clinical testing. Allele origin: germline.
Comment: Classification criteria: PVS1, PM2_supporting, PM3

Labcorp Genetics (formerly Invitae), Labcorp
Classification: Pathogenic for Ataxia-telangiectasia syndrome. Last evaluated: 2025-10-14. Review status: criteria provided, single submitter. Criteria: Invitae Variant Classification Sherloc (09022015). Collection method: clinical testing. Allele origin: germline.
Comment: This sequence change creates a premature translational stop signal (p.Gln852*) in the ATM gene. It is expected to result in an absent or disrupted protein product. Loss-of-function variants in ATM are known to be pathogenic (PMID: 23807571, 25614872). This variant is present in population databases (rs758081262, gnomAD 0.008%). This premature translational stop signal has been observed in individual(s) with ataxia telangiectasia (PMID: 22130802, 24172824, 26098866, 28825054). ClinVar contains an entry for this variant (Variation ID: 407450). For these reasons, this variant has been classified as Pathogenic.

Blueprint Genetics
Classification: Pathogenic for ATM-related disorders. Last evaluated: 2024-10-07. Review status: criteria provided, single submitter. Criteria: ACMG Guidelines, 2015. Collection method: clinical testing. Allele origin: germline. Affected: yes. Observed: 5 variant alleles.

Ambry Genetics
Classification: Pathogenic for Hereditary cancer-predisposing syndrome. Last evaluated: 2024-02-09. Review status: criteria provided, single submitter. Criteria: Ambry Variant Classification Scheme 2023. Collection method: clinical testing. Allele origin: germline.
Comment: The p.Q852* pathogenic mutation (also known as c.2554C>T), located in coding exon 16 of the ATM gene, results from a C to T substitution at nucleotide position 2554. This changes the amino acid from a glutamine to a stop codon within coding exon 16. This mutation has been reported in a homozygous state in a patient with ataxia telangiectasia (Driessen GJ et al. J. Allergy Clin. Immunol. 2013 May;131(5):1367-75.e9). It has also been reported in the heterozygous state in probands with gastric cancer, prostate cancer, and chronic lymphocytic leukemia (Helgason H et al. Nat. Genet. 2015 Aug;47(8):906-10; Abida W et al. JCO Precis Oncol. 2017 Jul;2017; Navrkalova V et al. Haematologica 2016 09;101(9):e369-73). In addition to the clinical data published in the literature, this alteration is expected to result in loss of function by premature protein truncation or nonsense-mediated mRNA decay. As such, this alteration is interpreted as a disease-causing mutation.

Clinical Genetics Laboratory, Skane University Hospital Lund
Classification: Pathogenic. Last evaluated: 2024-02-01. Review status: criteria provided, single submitter. Criteria: ACMG Guidelines, 2015. Collection method: clinical testing. Allele origin: germline. Affected: yes.

Institute of Human Genetics, Clinical Exome/Genome Diagnostics Group, University Hospital Bonn
Classification: Pathogenic for Ataxia-telangiectasia syndrome. Last evaluated: 2024-01-29. Review status: criteria provided, single submitter. Criteria: ACMG Guidelines, 2015. Collection method: clinical testing. Allele origin: germline. Affected: yes.

Myriad Genetics, Inc.
Classification: Pathogenic for Familial cancer of breast. Last evaluated: 2024-01-18. Review status: criteria provided, single submitter. Criteria: Myriad Autosomal Dominant, Autosomal Recessive and X-Linked Classification Criteria (2023). Collection method: clinical testing. Allele origin: unknown.
Comment: This variant is considered pathogenic. This variant creates a termination codon and is predicted to result in premature protein truncation.

Baylor Genetics
Classification: Pathogenic for Familial cancer of breast. Last evaluated: 2024-01-06. Review status: criteria provided, single submitter. Criteria: ACMG Guidelines, 2015. Collection method: clinical testing. Allele origin: unknown.

Color Diagnostics, LLC DBA Color Health
Classification: Pathogenic for Hereditary cancer-predisposing syndrome. Last evaluated: 2022-01-31. Review status: criteria provided, single submitter. Criteria: ACMG Guidelines, 2015. Collection method: clinical testing. Allele origin: germline.
Comment: This variant changes 1 nucleotide in exon 17 of the ATM gene, creating a premature translation stop signal. This variant is expected to result in an absent or non-functional protein product. This variant has been reported in the homozygous state and the compound heterozygous state in individuals affected with ataxia telangiectasia (PMID: 22130802, 23566627, 26098866, 28126470). This variant has also been reported in an individual affected with prostate cancer (PMID: 32183364). One study has shown that this variant is associated with an increased risk of gastric cancer in Iceland (OR = 4.74; 95% CI 3.03-7.40)(PMID: 26098866). This variant has been identified in 4/282786 chromosomes in the general population by the Genome Aggregation Database (gnomAD). Loss of ATM function is a known mechanism of disease. Based on the available evidence, this variant is classified as Pathogenic.

Sema4
Classification: Pathogenic for Hereditary cancer-predisposing syndrome. Last evaluated: 2021-10-08. Review status: criteria provided, single submitter. Criteria: Sema4 Curation Guidelines. Collection method: curation. Allele origin: germline.
Comment: The ATM c.2554C>T (p.Q852X) variant has been reported in heterozygosity in individuals with breast cancer, prostate cancer, intraductal papillary mucinous neoplasms, gastric cancer, or chronic lymphocytic leukemia (PMID: 33471991, 28825054, 33436325, 26098866). It has also been reported as homozygous or as compound heterozygous in at least 3 individuals with ataxia telangiectasia (PMID: 22130802, 23566627, 26098866). This nonsense variant creates a premature stop codon at residue 852 of the ATM protein. This variant is predicted to cause loss of normal protein function either through protein truncation or nonsense-mediated mRNA decay. Loss of function variants in ATM are known to be pathogenic (PMID: 31050087). This variant was observed in 1/25112 chromosomes in the Finnish population according to the Genome Aggregation Database (PMID: 32461654). This variant has been reported in ClinVar (Variation ID: 407450). Based on the current evidence available, this variant is interpreted as pathogenic.

Fulgent Genetics
Classification: Pathogenic for Familial cancer of breast; Ataxia-telangiectasia syndrome. Last evaluated: 2018-10-31. Review status: criteria provided, single submitter. Criteria: ACMG Guidelines, 2015. Collection method: clinical testing. Allele origin: unknown.

BRCAlab, Lund University
Classification: Pathogenic for Familial cancer of breast. Last evaluated: 2022-08-26. Review status: no assertion criteria provided. Collection method: clinical testing. Allele origin: germline. Affected: yes. Not counted in ClinVar's aggregate classification.

Laboratory for Genotyping Development, RIKEN
Classification: Pathogenic for Gastric cancer. Last evaluated: 2021-07-01. Review status: no assertion criteria provided. Collection method: research. Allele origin: germline. Not counted in ClinVar's aggregate classification.

Natera, Inc.
Classification: Pathogenic for Ataxia-telangiectasia. Last evaluated: 2020-09-16. Review status: no assertion criteria provided. Collection method: clinical testing. Allele origin: germline. Not counted in ClinVar's aggregate classification.

Literature cited by the submitters: PubMed 23566627 (cited by 4 submitters); PubMed 37563628 (cited by Women's Health and Genetics/Laboratory Corporation of America, LabCorp); PubMed 36551643 (cited by Center for Genomic Medicine, Rigshospitalet, Copenhagen University Hospital); PubMed 23807571 (cited by Labcorp Genetics (formerly Invitae), Labcorp); PubMed 25614872 (cited by Labcorp Genetics (formerly Invitae), Labcorp); PubMed 22130802 (cited by 3 submitters); PubMed 24172824 (cited by Labcorp Genetics (formerly Invitae), Labcorp); PubMed 26098866 (cited by 3 submitters); PubMed 28825054 (cited by Labcorp Genetics (formerly Invitae), Labcorp and Sema4); PubMed 28126470 (cited by Color Diagnostics, LLC DBA Color Health); PubMed 32183364 (cited by Color Diagnostics, LLC DBA Color Health); PubMed 33471991 (cited by Sema4); PubMed 33436325 (cited by Sema4); PubMed 31050087 (cited by Sema4); PubMed 36988593 (cited by Laboratory for Genotyping Development, RIKEN).